The following is an entry in ClinVar:

NM_004174.4(SLC9A3):c.785C>T (p.Thr262Met)

Gene: SLC9A3 (solute carrier family 9 member A3). Cytogenetic location: 5p15.33.
Variant type: single nucleotide variant.
Coding change: c.785C>T on transcript NM_004174.4 (MANE Select); coding-DNA position 785, C replaced by T.
Protein change: p.Thr262Met; replaces threonine 262 with methionine.
Molecular consequence: missense variant.
Genome position (GRCh38, 1-based): chr5:484,667, G>A on the plus strand (C>T on the coding strand, the complement: SLC9A3 is on the minus strand). VCF-style: chr5-484667-G-A. GRCh37 (hg19) VCF-style: chr5-484782-G-A.
Other names: c.785C>T, p.Thr262Met (NM_001284351.3); short protein forms T262M.
Identifiers: ClinVar variation 2062194 (VCV002062194.2), dbSNP rs150012129, ClinGen allele CA3176176.
Genomic context (GRCh38, chr5:484,667, plus strand): 5'-ACATGCTTGGTGAAGCGCGTCACCAGCGACAGCAGGAAGGCGAAGACCACCCCCACCAGC[G>A]TGCCCCCCAGGCTCACCACGAAGAAGGACACTGGGTAGAGGACGCCCTTTGTGGCCGTGC-3'
Protein context (NP_004165.2, residues 252-272): VSFFVVSLGG[Thr262Met]LVGVVFAFLL

ClinVar aggregate classification (germline): Uncertain significance (1 of 4 stars; one submission).

Allele frequency attached by ClinVar (database versions not stated): TOPMed 0.00006; ESP Exome Variant Server 0.00008; gnomAD 0.00008; gnomAD exomes 0.00008; ExAC 0.00030; 1000 Genomes Project 0.00040; 1000 Genomes Project 30x 0.00062.
gnomAD v4.1: 133 of 1,613,062 alleles (0.0082%); highest among the groups gnomAD compares: South Asian, 0.12%; 2 homozygotes.

Submission:

Labcorp Genetics (formerly Invitae), Labcorp
Classification: Uncertain significance. Last evaluated: 2024-02-09. Review status: criteria provided, single submitter. Criteria: Invitae Variant Classification Sherloc (09022015). Collection method: clinical testing. Allele origin: germline.
Comment: This sequence change replaces threonine, which is neutral and polar, with methionine, which is neutral and non-polar, at codon 262 of the SLC9A3 protein (p.Thr262Met). This variant is present in population databases (rs150012129, gnomAD 0.2%). This variant has not been reported in the literature in individuals affected with SLC9A3-related conditions. ClinVar contains an entry for this variant (Variation ID: 2062194). Advanced modeling of protein sequence and biophysical properties (such as structural, functional, and spatial information, amino acid conservation, physicochemical variation, residue mobility, and thermodynamic stability) performed at Invitae indicates that this missense variant is not expected to disrupt SLC9A3 protein function with a negative predictive value of 80%. In summary, the available evidence is currently insufficient to determine the role of this variant in disease. Therefore, it has been classified as a Variant of Uncertain Significance.